The following is an entry in ClinVar:

NM_000551.4(VHL):c.72C>A (p.Gly24=)

Gene: VHL (von Hippel-Lindau tumor suppressor; plus strand). Cytogenetic location: 3p25.3.
Variant type: single nucleotide variant.
Coding change: c.72C>A on transcript NM_000551.4 (MANE Select); coding-DNA position 72, C replaced by A.
Protein change: p.Gly24=; no amino-acid change (glycine 24 retained).
Molecular consequence: synonymous variant.
Genome position (GRCh38, 1-based): chr3:10,141,919, C>A. VCF-style: chr3-10141919-C-A. GRCh37 (hg19) VCF-style: chr3-10183603-C-A.
Other names: c.72C>A, p.Gly24= (NM_001354723.2, NM_198156.3).
Identifiers: ClinVar variation 486715 (VCV000486715.27), dbSNP rs1375079282, ClinGen allele CA432536217.

ClinVar aggregate classification (germline): Benign/Likely benign. Review status: criteria provided, multiple submitters, no conflicts (2 of 4 stars). 6 submissions from 6 submitters: Benign (1); Likely benign (5). Last evaluated 2026-01-01.

Conditions:
Hereditary cancer-predisposing syndrome. Also called: Hereditary neoplastic syndrome; Neoplastic Syndromes, Hereditary; Hereditary Cancer Syndrome; Tumor predisposition. Identifiers: Orphanet 140162, MedGen C0027672, MeSH D009386, MONDO:0015356.
Chuvash polycythemia. Also called: POLYCYTHEMIA, VHL-DEPENDENT. Identifiers: Orphanet 238557, MedGen C1837915, MONDO:0009892, OMIM 263400.
Von Hippel-Lindau syndrome (VHLS). Also called: VHL syndrome; Von Hippel-Lindau; von Hippel–Lindau syndrome. Identifiers: Orphanet 892, MedGen C0019562, MONDO:0008667, OMIM 193300. Disease mechanism: loss of function.

Submissions (6):

CeGaT Center for Human Genetics Tuebingen
Classification: Likely benign. Last evaluated: 2026-01-01. Review status: criteria provided, single submitter. Criteria: CeGaT Center For Human Genetics Tuebingen Variant Classification Criteria Version 2. Collection method: clinical testing. Allele origin: germline. Affected: yes. Observed: 1 variant allele.
Comment: VHL: BP4, BP7

Labcorp Genetics (formerly Invitae), Labcorp
Classification: Likely benign for Von Hippel-Lindau syndrome; Chuvash polycythemia. Last evaluated: 2025-08-31. Review status: criteria provided, single submitter. Criteria: Invitae Variant Classification Sherloc (09022015). Collection method: clinical testing. Allele origin: germline.

Myriad Genetics, Inc.
Classification: Benign for Von Hippel-Lindau syndrome. Last evaluated: 2025-06-10. Review status: criteria provided, single submitter. Criteria: Myriad Autosomal Dominant, Autosomal Recessive and X-Linked Classification Criteria (2023). Collection method: clinical testing. Allele origin: unknown.
Comment: This variant is considered benign. This variant is a silent/synonymous amino acid change and it is not expected to impact splicing.

All of Us Research Program, National Institutes of Health
Classification: Likely benign for Von Hippel-Lindau syndrome. Last evaluated: 2024-05-14. Review status: criteria provided, single submitter. Criteria: ACMG Guidelines, 2015. Collection method: clinical testing. Allele origin: germline. Inheritance: Autosomal dominant inheritance. Observed: 2 variant alleles, 2 heterozygotes.
Comment: This study involves interpretation of variants in research participants for the purpose of population health screening. Participant phenotype was not available at the time of variant classification. Additional details can be found in publication PMID: 35346344, PMCID: PMC8962531

PreventionGenetics, part of Exact Sciences
Classification: Likely benign. Last evaluated: 2017-09-14. Review status: criteria provided, single submitter. Criteria: ACMG Guidelines, 2015. Collection method: clinical testing. Allele origin: germline.

Ambry Genetics
Classification: Likely benign for Hereditary cancer-predisposing syndrome. Last evaluated: 2016-06-04. Review status: criteria provided, single submitter. Criteria: Ambry Variant Classification Scheme 2023. Collection method: clinical testing. Allele origin: germline.